The following is an entry in ClinVar:

ClinVar aggregate classification (germline): Likely pathogenic (1 of 4 stars; one submission).

Conditions:
Early-infantile DEE. Also called: Early infantile epileptic encephalopathy; Ohtahara syndrome; Early infantile epileptic encephalopathy with suppression bursts. Identifiers: Orphanet 1934, MedGen C0393706, MONDO:0800491.

Submission:

Labcorp Genetics (formerly Invitae), Labcorp
Classification: Likely pathogenic for Early-infantile DEE. Last evaluated: 2023-02-15. Review status: criteria provided, single submitter. Criteria: Invitae Variant Classification Sherloc (09022015). Collection method: clinical testing. Allele origin: germline.
Comment: This sequence change replaces glycine, which is neutral and non-polar, with valine, which is neutral and non-polar, at codon 303 of the HCN1 protein (p.Gly303Val). In summary, the currently available evidence indicates that the variant is pathogenic, but additional data are needed to prove that conclusively. Therefore, this variant has been classified as Likely Pathogenic. Advanced modeling of protein sequence and biophysical properties (such as structural, functional, and spatial information, amino acid conservation, physicochemical variation, residue mobility, and thermodynamic stability) performed at Invitae indicates that this missense variant is not expected to disrupt HCN1 protein function. This missense change has been observed in individual(s) with clinical features of HCN1-related conditions (Invitae). In at least one individual the variant was observed to be de novo. This variant is not present in population databases (gnomAD no frequency).

NM_021072.4(HCN1):c.908G>T (p.Gly303Val)

Gene: HCN1 (hyperpolarization activated cyclic nucleotide gated potassium channel 1; minus strand). Cytogenetic location: 5p12.
Variant type: single nucleotide variant.
Coding change: c.908G>T on transcript NM_021072.4 (MANE Select); coding-DNA position 908, G replaced by T.
Protein change: p.Gly303Val; replaces glycine 303 with valine.
Molecular consequence: missense variant.
Genome position (GRCh38, 1-based): chr5:45,461,949, C>A on the plus strand (G>T on the coding strand, the complement: HCN1 is on the minus strand). VCF-style: chr5-45461949-C-A. GRCh37 (hg19) VCF-style: chr5-45462051-C-A.
Other names: short protein forms G303V.
Identifiers: ClinVar variation 2014403 (VCV002014403.4), dbSNP rs2478145394, ClinGen allele CA359704984.